The following is an entry in ClinVar:

NM_001349798.2(FBXW7):c.862-11T>A

Gene: FBXW7 (F-box and WD repeat domain containing 7; minus strand). Cytogenetic location: 4q31.3.
Variant type: single nucleotide variant.
Coding change: c.862-11T>A on transcript NM_001349798.2 (MANE Select); 11 bases into the intron before coding-DNA position 862, T replaced by A.
Molecular consequence: intron variant.
Genome position (GRCh38, 1-based): chr4:152,332,730, A>T on the plus strand (T>A on the coding strand, the complement: FBXW7 is on the minus strand). VCF-style: chr4-152332730-A-T. GRCh37 (hg19) VCF-style: chr4-153253882-A-T.
Other names: c.508-11T>A (NM_001013415.2); c.622-11T>A (NM_018315.5); c.862-11T>A (NM_033632.3).
Identifiers: ClinVar variation 5038408 (VCV005038408.1).

ClinVar aggregate classification (germline): Uncertain significance (1 of 4 stars; one submission).

Conditions:
Developmental delay, hypotonia, and impaired language (DEDHIL). Identifiers: MedGen C5774202, MONDO:0859280, OMIM 620012.

gnomAD v4.1: 6 of 1,533,178 alleles (0.00039%); highest among the groups gnomAD compares: Admixed American, 0.01%; no homozygotes.

Submission:

St. Jude Molecular Pathology, St. Jude Children's Research Hospital
Classification: Uncertain significance for Developmental delay, hypotonia, and impaired language. Last evaluated: 2026-10-01. Review status: criteria provided, single submitter. Criteria: St. Jude Assertion Criteria 2020. Collection method: clinical testing. Allele origin: germline.
Comment: The FBXW7 c.862-11T>A intronic change results in a T to A substitution at the -11 position of intron 5 of the FBXW7 gene. Algorithms that predict the impact of sequence changes on splicing indicate that this change may impact splicing but to our knowledge these predictions have not been confirmed by RNA studies. This variant has a maximum sub population frequency of 0.02% in gnomAD v2.1.1. To our knowledge, this variant has not been reported in the literature in individuals with FBXW7-associated conditions. In summary, the evidence currently available is i nsufficient to determine the clinical significance of this variant. It has therefore been classified as of uncertain significance.